The following is an entry in ClinVar:

ClinVar aggregate classification (germline): Conflicting classifications of pathogenicity. Review status: criteria provided, conflicting classifications (1 of 4 stars). 7 submissions from 7 submitters: Likely pathogenic (3); Uncertain significance (3). 1 of the submissions does not count toward it. Last evaluated 2024-09-12.

Conditions:
ALDH18A1-related disorder. Also called: ALDH18A1-related disorders.
Autosomal dominant spastic paraplegia type 9. Identifiers: MedGen C1832669, MONDO:0015091.
de Barsy syndrome. Also called: Cutis laxa-corneal clouding-oligophrenia syndrome. Identifiers: Orphanet 2962, MedGen C0268354, MONDO:0017569.
Cutis laxa, autosomal dominant 3 (ADCL3). Identifiers: Orphanet 90348, MedGen C4225268, MONDO:0014706, OMIM 616603.
Inborn genetic diseases. Identifiers: MedGen C0950123, MeSH D030342.
Spondyloepiphyseal dysplasia, Stanescu type. Also called: SED, STANESCU TYPE; SPONDYLOEPIMETAPHYSEAL DYSPLASIA, STANESCU TYPE. Identifiers: Orphanet 459051, MedGen C4225273, MONDO:0014701, OMIM 616583.
Autosomal recessive complex spastic paraplegia type 9B. Also called: Spastic paraplegia 9b, autosomal recessive. Identifiers: Orphanet 447760, MedGen C5568980, MONDO:0014702, OMIM 616586.
ALDH18A1-related de Barsy syndrome. Also called: Cutis laxa, autosomal recessive IIIA; DE BARSY SYNDROME A. Identifiers: Orphanet 2962, Orphanet 35664, MedGen C5234852, MONDO:0009053, OMIM 219150.

Allele frequency attached by ClinVar (database versions not stated): ExAC 0.00001; gnomAD 0.00001; gnomAD exomes 0.00001; TOPMed 0.00001.

Submissions (7):

Ambry Genetics
Classification: Uncertain significance for Inborn genetic diseases. Last evaluated: 2024-09-12. Review status: criteria provided, single submitter. Criteria: Ambry Variant Classification Scheme 2023. Collection method: clinical testing. Allele origin: germline.
Comment: The c.991A>C (p.T331P) alteration is located in exon 9 (coding exon 8) of the ALDH18A1 gene. This alteration results from an A to C substitution at nucleotide position 991, causing the threonine (T) at amino acid position 331 to be replaced by a proline (P). Based on data from gnomAD, the C allele has an overall frequency of 0.001% (2/251320) total alleles studied. The highest observed frequency was 0.002% (2/113608) of European (non-Finnish) alleles. This variant has been identified in the homozygous state in individuals with features consistent with autosomal recessive P5CS deficiency and segregated with disease in at least one family (Colonna, 2023). This amino acid position is well conserved in available vertebrate species. Functional studies suggest this variant may alter cellular metabolite profiles; however, the physiological relevance of this finding is unclear (Colonna, 2023). The in silico prediction for this alteration is inconclusive. Based on insufficient or conflicting evidence, the clinical significance of this alteration remains unclear.

Blueprint Genetics
Classification: Likely pathogenic for ALDH18A1-related disorders. Last evaluated: 2024-07-09. Review status: criteria provided, single submitter. Criteria: ACMG Guidelines, 2015. Collection method: clinical testing. Allele origin: germline. Affected: yes. Observed: 5 variant alleles.

Labcorp Genetics (formerly Invitae), Labcorp
Classification: Likely pathogenic for Autosomal dominant spastic paraplegia type 9; de Barsy syndrome; Cutis laxa, autosomal dominant 3. Last evaluated: 2023-08-27. Review status: criteria provided, single submitter. Criteria: Invitae Variant Classification Sherloc (09022015). Collection method: clinical testing. Allele origin: germline.
Comment: ClinVar contains an entry for this variant (Variation ID: 392663). This sequence change replaces threonine, which is neutral and polar, with proline, which is neutral and non-polar, at codon 331 of the ALDH18A1 protein (p.Thr331Pro). This variant is present in population databases (rs765380273, gnomAD 0.003%). This missense change has been observed in individuals with clinical features of autosomal recessive hereditary spastic paraplegia (PMID: 36067040). It has also been observed to segregate with disease in related individuals. Advanced modeling of protein sequence and biophysical properties (such as structural, functional, and spatial information, amino acid conservation, physicochemical variation, residue mobility, and thermodynamic stability) has been performed at Invitae for this missense variant, however the output from this modeling did not meet the statistical confidence thresholds required to predict the impact of this variant on ALDH18A1 protein function. Experimental studies are conflicting or provide insufficient evidence to determine the effect of this variant on ALDH18A1 function (PMID: 36067040). In summary, the currently available evidence indicates that the variant is pathogenic, but additional data are needed to prove that conclusively. Therefore, this variant has been classified as Likely Pathogenic.

Baylor Genetics
Classification: Likely pathogenic for Autosomal recessive complex spastic paraplegia type 9B. Last evaluated: 2022-10-23. Review status: criteria provided, single submitter. Criteria: ACMG Guidelines, 2015. Collection method: clinical testing. Allele origin: unknown.

GeneDx
Classification: Uncertain significance. Last evaluated: 2021-01-05. Review status: criteria provided, single submitter. Criteria: GeneDx Variant Classification Process June 2021. Collection method: clinical testing. Allele origin: germline. Affected: yes.
Comment: Has not been previously published as pathogenic or benign to our knowledge; Not observed at a significant frequency in large population cohorts (Lek et al., 2016); In silico analysis, which includes protein predictors and evolutionary conservation, supports that this variant does not alter protein structure/function

HudsonAlpha Institute for Biotechnology
Classification: Uncertain significance for Spondyloepiphyseal dysplasia, Stanescu type. Last evaluated: 2018-04-17. Review status: criteria provided, single submitter. Criteria: ACMG Guidelines, 2015. Collection method: research. Allele origin: paternal. Observed: 1 variant allele. Study: HudsonAlpha-PGEN.

OMIM
Classification: Pathogenic for CUTIS LAXA, AUTOSOMAL RECESSIVE, TYPE IIIA. Last evaluated: 2023-03-14. Review status: no assertion criteria provided. Collection method: literature only. Allele origin: germline. Not counted in ClinVar's aggregate classification.

Literature cited by the submitters: PubMed 36067040 (cited by 3 submitters).

NM_002860.4(ALDH18A1):c.991A>C (p.Thr331Pro)

Gene: ALDH18A1 (aldehyde dehydrogenase 18 family member A1; minus strand). Cytogenetic location: 10q24.1.
Variant type: single nucleotide variant.
Coding change: c.991A>C on transcript NM_002860.4 (MANE Select); coding-DNA position 991, A replaced by C.
Protein change: p.Thr331Pro; replaces threonine 331 with proline.
Molecular consequence: missense variant.
Genome position (GRCh38, 1-based): chr10:95,627,529, T>G on the plus strand (A>C on the coding strand, the complement: ALDH18A1 is on the minus strand). VCF-style: chr10-95627529-T-G. GRCh37 (hg19) VCF-style: chr10-97387286-T-G.
Other names: c.985A>C, p.Thr329Pro (NM_001017423.2, NM_001323415.2); c.658A>C, p.Thr220Pro (NM_001323412.2, NM_001323416.2); c.991A>C, p.Thr331Pro (NM_001323413.2, NM_001323414.2); c.886A>C, p.Thr296Pro (NM_001323417.2); c.652A>C, p.Thr218Pro (NM_001323418.2); c.355A>C, p.Thr119Pro (NM_001323419.2); short protein forms T331P, T220P, T329P, T218P, T119P, T296P.
Identifiers: ClinVar variation 392663 (VCV000392663.14), dbSNP rs765380273, ClinGen allele CA5620450.
Genomic context (GRCh38, chr10:95,627,529, plus strand): 5'-TACCAACTTTCTTCCCCTCCACAATGTCTGTGATGACGTGCCCAGACACCTTTGGGTGGG[T>G]TCCATTGGCAATAACAACAGAAGTGCCACCTTGCAAAGCCCAGAGGGCTGCTTTCACCTA-3'
Protein context (NP_002851.2, residues 321-341): GGTSVVIANG[Thr331Pro]HPKVSGHVIT